The following is an entry in ClinVar:

NM_000179.3(MSH6):c.1960A>C (p.Met654Leu)

Gene: MSH6 (mutS homolog 6; plus strand). Cytogenetic location: 2p16.3.
Variant type: single nucleotide variant.
Coding change: c.1960A>C on transcript NM_000179.3 (MANE Select); coding-DNA position 1960, A replaced by C.
Protein change: p.Met654Leu; replaces methionine 654 with leucine.
Molecular consequence: missense variant.
Genome position (GRCh38, 1-based): chr2:47,799,943, A>C. VCF-style: chr2-47799943-A-C. GRCh37 (hg19) VCF-style: chr2-48027082-A-C.
Other names: c.1570A>C, p.Met524Leu (NM_001281492.2); c.1054A>C, p.Met352Leu (NM_001281493.2, NM_001281494.2); short protein forms M654L, M352L, M524L.
Identifiers: ClinVar variation 1514670 (VCV001514670.8), dbSNP rs1669399925, ClinGen allele CA346750581.

ClinVar aggregate classification (germline): Uncertain significance (1 of 4 stars; one submission).

Conditions:
Hereditary nonpolyposis colorectal neoplasms. Identifiers: MedGen C0009405, MeSH D003123.

Submission:

Labcorp Genetics (formerly Invitae), Labcorp
Classification: Uncertain significance for Hereditary nonpolyposis colorectal neoplasms. Last evaluated: 2022-03-23. Review status: criteria provided, single submitter. Criteria: Invitae Variant Classification Sherloc (09022015). Collection method: clinical testing. Allele origin: germline.
Comment: In summary, the available evidence is currently insufficient to determine the role of this variant in disease. Therefore, it has been classified as a Variant of Uncertain Significance. Advanced modeling of protein sequence and biophysical properties (such as structural, functional, and spatial information, amino acid conservation, physicochemical variation, residue mobility, and thermodynamic stability) performed at Invitae indicates that this missense variant is not expected to disrupt MSH6 protein function. This variant has not been reported in the literature in individuals affected with MSH6-related conditions. This variant is not present in population databases (gnomAD no frequency). This sequence change replaces methionine, which is neutral and non-polar, with leucine, which is neutral and non-polar, at codon 654 of the MSH6 protein (p.Met654Leu).